The following is an entry in ClinVar:

ClinVar aggregate classification (germline): Benign. Review status: criteria provided, multiple submitters, no conflicts (2 of 4 stars). 5 submissions from 5 submitters: Benign (4). 1 of the submissions does not count toward it. Last evaluated 2026-02-03.

Conditions:
PCLO-related disorder. Also called: PCLO-related condition.

Allele frequency attached by ClinVar (database versions not stated): 1000 Genomes Project 30x 0.05746; 1000 Genomes Project 0.05911; TOPMed 0.09523; gnomAD 0.10548 and 0.10624; ESP Exome Variant Server 0.11144; ExAC 0.11747; gnomAD exomes 0.11761 and 0.14072.
gnomAD v4.1: 221,047 of 1,613,276 alleles (14%); highest among the groups gnomAD compares: Non-Finnish European, 15%; 16,554 homozygotes.

Submissions (5):

Labcorp Genetics (formerly Invitae), Labcorp
Classification: Benign. Last evaluated: 2026-02-03. Review status: criteria provided, single submitter. Criteria: Invitae Variant Classification Sherloc (09022015). Collection method: clinical testing. Allele origin: germline.

Blueprint Genetics
Classification: Benign. Last evaluated: 2024-11-27. Review status: criteria provided, single submitter. Criteria: ACMG Guidelines, 2015. Collection method: clinical testing. Allele origin: germline.

GeneDx
Classification: Benign. Last evaluated: 2021-03-12. Review status: criteria provided, single submitter. Criteria: GeneDx Variant Classification Process June 2021. Collection method: clinical testing. Allele origin: germline. Affected: yes.

Breakthrough Genomics
Classification: Benign. Review status: criteria provided, single submitter. Criteria: ACMG Guidelines, 2015. Collection method: not provided. Allele origin: germline. Inheritance: Autosomal recessive inheritance. Affected: yes.

PreventionGenetics, part of Exact Sciences
Classification: Benign for PCLO-related condition. Last evaluated: 2019-03-25. Review status: no assertion criteria provided. Collection method: clinical testing. Allele origin: germline. Not counted in ClinVar's aggregate classification.
Comment: This variant is classified as benign based on ACMG/AMP sequence variant interpretation guidelines (Richards et al. 2015 PMID: 25741868, with internal and published modifications).

NM_033026.6(PCLO):c.6660T>G (p.Phe2220Leu)

Gene: PCLO (piccolo presynaptic cytomatrix protein; minus strand). Cytogenetic location: 7q21.11.
Variant type: single nucleotide variant.
Coding change: c.6660T>G on transcript NM_033026.6 (MANE Select); coding-DNA position 6660, T replaced by G.
Protein change: p.Phe2220Leu; replaces phenylalanine 2220 with leucine.
Molecular consequence: missense variant.
Genome position (GRCh38, 1-based): chr7:82,954,293, A>C on the plus strand (T>G on the coding strand, the complement: PCLO is on the minus strand). VCF-style: chr7-82954293-A-C. GRCh37 (hg19) VCF-style: chr7-82583609-A-C.
Other names: c.6660T>G, p.Phe2220Leu (NM_014510.3); short protein forms F2220L.
Identifiers: ClinVar variation 1226029 (VCV001226029.15), dbSNP rs10487648, ClinGen allele CA4320426.
Genomic context (GRCh38, chr7:82,954,293, plus strand): 5'-TGGATAGTCTATAATGCTGCCTGGAAAATAAGTTGATGAAGAAATTTCCTCAGAATCTTC[A>C]AATTTAGTTATCATGTCCACTGGCTCTGTATAAACTGTGGTTATGCTATCCAGGGTAGTA-3'
Protein context (NP_149015.2, residues 2210-2230): YTEPVDMITK[Phe2220Leu]EDSEEISSST